The following is an entry in ClinVar:

ClinVar aggregate classification (germline): Likely pathogenic. Review status: criteria provided, multiple submitters, no conflicts (2 of 4 stars). 2 submissions from 2 submitters: Likely pathogenic (2). Last evaluated 2026-03-03.

Conditions:
SPTB-related disorder. Also called: SPTB-Related Disorders; SPTB-related condition.

Submissions (2):

PreventionGenetics, part of Exact Sciences
Classification: Likely pathogenic for SPTB-related condition. Last evaluated: 2026-03-03. Review status: criteria provided, single submitter. Criteria: ACMG Guidelines, 2015. Collection method: clinical testing. Allele origin: germline.
Comment: The SPTB c.4504C>T variant is predicted to result in premature protein termination (p.Gln1502*). To our knowledge, this variant has not been reported in the literature or in a large population database (gnomAD), indicating this variant is rare. Nonsense variants in SPTB are expected to be pathogenic. This variant is interpreted as likely pathogenic.

Revvity Omics, Revvity
Classification: Likely pathogenic. Last evaluated: 2022-03-18. Review status: criteria provided, single submitter. Criteria: ACMG Guidelines, 2015. Collection method: clinical testing. Allele origin: germline.

NM_001355436.2(SPTB):c.4504C>T (p.Gln1502Ter)

Gene: SPTB (spectrin beta, erythrocytic; minus strand). Cytogenetic location: 14q23.3.
Variant type: single nucleotide variant.
Coding change: c.4504C>T on transcript NM_001355436.2 (MANE Select); coding-DNA position 4504, C replaced by T.
Protein change: p.Gln1502Ter; replaces glutamine 1502 with a stop codon.
Molecular consequence: nonsense.
Genome position (GRCh38, 1-based): chr14:64,779,216, G>A on the plus strand (C>T on the coding strand, the complement: SPTB is on the minus strand). VCF-style: chr14-64779216-G-A. GRCh37 (hg19) VCF-style: chr14-65245934-G-A.
Other names: c.4504C>T, p.Gln1502Ter (NM_001024858.4, NM_001355437.2); c.4504C>T (NM_001024858.2); short protein forms Q1502*.
Identifiers: ClinVar variation 4077600 (VCV004077600.2).